The following is an entry in ClinVar:

ClinVar aggregate classification (germline): Likely benign. Review status: criteria provided, multiple submitters, no conflicts (2 of 4 stars). 3 submissions from 3 submitters: Likely benign (2). 1 of the submissions does not count toward it. Last evaluated 2024-10-01.

Conditions:
Citrullinemia. Identifiers: Orphanet 187, MedGen C0175683, MONDO:0015991.
Citrullinemia type I (CTNL1). Also called: argininosuccinate synthetase deficiency; ASS DEFICIENCY. Identifiers: Orphanet 247525, MedGen C4721769, MONDO:0008988, OMIM 215700.

gnomAD v4.1: 3 of 1,613,182 alleles (0.00019%); highest among the groups gnomAD compares: South Asian, 0.0033%; no homozygotes.

Submissions (3):

CeGaT Center for Human Genetics Tuebingen
Classification: Likely benign. Last evaluated: 2024-10-01. Review status: criteria provided, single submitter. Criteria: CeGaT Center For Human Genetics Tuebingen Variant Classification Criteria Version 2. Collection method: clinical testing. Allele origin: germline. Affected: yes. Observed: 1 variant allele.
Comment: ASS1: BP4, BP7

Labcorp Genetics (formerly Invitae), Labcorp
Classification: Likely benign for Citrullinemia. Last evaluated: 2023-03-27. Review status: criteria provided, single submitter. Criteria: Invitae Variant Classification Sherloc (09022015). Collection method: clinical testing. Allele origin: germline.

Natera, Inc.
Classification: Uncertain significance for Citrullinemia type I. Last evaluated: 2020-08-14. Review status: no assertion criteria provided. Collection method: clinical testing. Allele origin: germline. Not counted in ClinVar's aggregate classification.

NM_054012.4(ASS1):c.294C>A (p.Ile98=)

Gene: ASS1 (argininosuccinate synthase 1; plus strand). Cytogenetic location: 9q34.11.
Variant type: single nucleotide variant.
Coding change: c.294C>A on transcript NM_054012.4 (MANE Select); coding-DNA position 294, C replaced by A.
Protein change: p.Ile98=; no amino-acid change (isoleucine 98 retained).
Molecular consequence: synonymous variant.
Genome position (GRCh38, 1-based): chr9:130,458,520, C>A. VCF-style: chr9-130458520-C-A. GRCh37 (hg19) VCF-style: chr9-133333907-C-A.
Other names: c.294C>A, p.Ile98= (NM_000050.4).
Identifiers: ClinVar variation 991332 (VCV000991332.23), dbSNP rs183370361, ClinGen allele CA467388555.